The following is an entry in ClinVar:

ClinVar aggregate classification (germline): Uncertain significance (1 of 4 stars; one submission).

Conditions:
FGFR2-related craniosynostosis. Identifiers: MedGen CN231480.

Allele frequency attached by ClinVar (database versions not stated): gnomAD 0.00001; TOPMed 0.00001.
gnomAD v4.1: 4 of 1,614,010 alleles (0.00025%); highest among the groups gnomAD compares: Non-Finnish European, 0.00025%; no homozygotes.

Submission:

Labcorp Genetics (formerly Invitae), Labcorp
Classification: Uncertain significance for FGFR2-related craniosynostosis. Last evaluated: 2022-08-27. Review status: criteria provided, single submitter. Criteria: Invitae Variant Classification Sherloc (09022015). Collection method: clinical testing. Allele origin: germline.
Comment: In summary, the available evidence is currently insufficient to determine the role of this variant in disease. Therefore, it has been classified as a Variant of Uncertain Significance. Algorithms developed to predict the effect of missense changes on protein structure and function are either unavailable or do not agree on the potential impact of this missense change (SIFT: "Deleterious"; PolyPhen-2: "Probably Damaging"; Align-GVGD: "Class C0"). This variant has not been reported in the literature in individuals affected with FGFR2-related conditions. This variant is not present in population databases (gnomAD no frequency). This sequence change replaces methionine, which is neutral and non-polar, with leucine, which is neutral and non-polar, at codon 535 of the FGFR2 protein (p.Met535Leu).

NM_000141.5(FGFR2):c.1603A>T (p.Met535Leu)

Gene: FGFR2 (fibroblast growth factor receptor 2; minus strand). Cytogenetic location: 10q26.13.
Variant type: single nucleotide variant.
Coding change: c.1603A>T on transcript NM_000141.5 (MANE Select); coding-DNA position 1603, A replaced by T.
Protein change: p.Met535Leu; replaces methionine 535 with leucine.
Molecular consequence: missense variant. On other transcripts: non-coding transcript variant (1).
Genome position (GRCh38, 1-based): chr10:121,498,564, T>A on the plus strand (A>T on the coding strand, the complement: FGFR2 is on the minus strand). VCF-style: chr10-121498564-T-A. GRCh37 (hg19) VCF-style: chr10-123258078-T-A.
Other names: c.1606A>T, p.Met536Leu (NM_001144913.1, NM_022970.4); c.1267A>T, p.Met423Leu (NM_001144914.1); c.1336A>T, p.Met446Leu (NM_001144915.2, NM_023029.3); c.1258A>T, p.Met420Leu (NM_001144916.2); c.1255A>T, p.Met419Leu (NM_001144917.2); c.1252A>T, p.Met418Leu (NM_001144918.2); c.1339A>T, p.Met447Leu (NM_001144919.2); c.919A>T, p.Met307Leu (NM_001320654.2); and 1 more; short protein forms M418L, M419L, M420L, M447L, M533L, M536L, M307L, M446L.
Identifiers: ClinVar variation 1934605 (VCV001934605.5), dbSNP rs999092280, ClinGen allele CA214294402.